The following is an entry in ClinVar:

NM_001267550.2(TTN):c.106051G>A (p.Glu35351Lys)

Genes: TTN (titin; minus strand), TTN-AS1 (TTN antisense RNA 1; plus strand), LOC129935182 (ATAC-STARR-seq lymphoblastoid active region 16807; plus strand). Cytogenetic location: 2q31.2.
Variant type: single nucleotide variant.
Coding change: c.106051G>A on transcript NM_001267550.2 (MANE Select); coding-DNA position 106051, G replaced by A.
Protein change: p.Glu35351Lys; replaces glutamic acid 35351 with lysine.
Molecular consequence: missense variant.
Genome position (GRCh38, 1-based): chr2:178,530,564, C>T on the plus strand (G>A on the coding strand, the complement: TTN is on the minus strand). VCF-style: chr2-178530564-C-T. GRCh37 (hg19) VCF-style: chr2-179395291-C-T.
Other names: c.101128G>A, p.Glu33710Lys (NM_001256850.1); c.78856G>A, p.Glu26286Lys (NM_003319.4); c.98347G>A, p.Glu32783Lys (NM_133378.4); c.79231G>A, p.Glu26411Lys (NM_133432.3); c.79432G>A, p.Glu26478Lys (NM_133437.4); short protein forms E26478K, E32783K, E33710K, E35351K, E26286K, E26411K.
Identifiers: ClinVar variation 2933599 (VCV002933599.3), dbSNP rs1688663690, ClinGen allele CA349407141.

ClinVar aggregate classification (germline): Uncertain significance (1 of 4 stars; one submission).

Conditions:
Autosomal recessive limb-girdle muscular dystrophy type 2J (LGMDR10). Also called: Limb-girdle muscular dystrophy, type 2J; MUSCULAR DYSTROPHY, LIMB-GIRDLE, AUTOSOMAL RECESSIVE 10. Identifiers: Orphanet 140922, MedGen C1837342, MONDO:0012127, OMIM 608807.
Dilated cardiomyopathy 1G (CMD1G). Identifiers: Orphanet 154, MedGen C1858763, MONDO:0011400, OMIM 604145.

gnomAD v4.1: 1 of 1,613,886 alleles (0.000062%); highest among the groups gnomAD compares: South Asian, 0.0011%; no homozygotes.

Submission:

Labcorp Genetics (formerly Invitae), Labcorp
Classification: Uncertain significance for Dilated cardiomyopathy 1G; Autosomal recessive limb-girdle muscular dystrophy type 2J. Last evaluated: 2023-05-01. Review status: criteria provided, single submitter. Criteria: Invitae Variant Classification Sherloc (09022015). Collection method: clinical testing. Allele origin: germline.
Comment: In summary, the available evidence is currently insufficient to determine the role of this variant in disease. Therefore, it has been classified as a Variant of Uncertain Significance. Experimental studies and prediction algorithms are not available or were not evaluated, and the functional significance of this variant is currently unknown. This variant has not been reported in the literature in individuals affected with TTN-related conditions. This variant is not present in population databases (gnomAD no frequency). This sequence change replaces glutamic acid, which is acidic and polar, with lysine, which is basic and polar, at codon 35351 of the TTN protein (p.Glu35351Lys). This variant is located in the M band of TTN (PMID: 25589632). Variants in this region may be relevant for neuromuscular disorders, but have not been definitively shown to cause cardiomyopathy (PMID: 23975875).

Literature cited by the submitters: PubMed 25589632; PubMed 23975875.